The following is an entry in ClinVar:

ClinVar aggregate classification (germline): Uncertain significance. Review status: criteria provided, multiple submitters, no conflicts (2 of 4 stars). 2 submissions from 2 submitters: Uncertain significance (2). Last evaluated 2025-04-11.

Conditions:
Hereditary cancer-predisposing syndrome. Also called: Hereditary neoplastic syndrome; Neoplastic Syndromes, Hereditary; Tumor predisposition; Hereditary Cancer Syndrome. Identifiers: Orphanet 140162, MedGen C0027672, MeSH D009386, MONDO:0015356.
Gorlin syndrome. Also called: Nevoid Basal Cell Carcinoma Syndrome; Basal cell nevus syndrome. Identifiers: Orphanet 377, MedGen C0004779, MONDO:0007187.
Medulloblastoma (MDB). Also called: MEDULLOBLASTOMA PREDISPOSITION SYNDROME; Medulloblastoma, somatic. Identifiers: Orphanet 616, MedGen C0025149, MeSH D008527, MONDO:0007959, OMIM 155255, HP:0002885.

Submissions (2):

Ambry Genetics
Classification: Uncertain significance for Hereditary cancer-predisposing syndrome. Last evaluated: 2025-04-11. Review status: criteria provided, single submitter. Criteria: Ambry Variant Classification Scheme 2023. Collection method: clinical testing. Allele origin: germline.
Comment: The p.S92G variant (also known as c.274A>G), located in coding exon 2 of the SUFU gene, results from an A to G substitution at nucleotide position 274. The serine at codon 92 is replaced by glycine, an amino acid with similar properties. This amino acid position is conserved. In addition, this alteration is predicted to be deleterious by in silico analysis. Based on the available evidence, the clinical significance of this variant remains unclear.

Labcorp Genetics (formerly Invitae), Labcorp
Classification: Uncertain significance for Gorlin syndrome; Medulloblastoma. Last evaluated: 2025-04-07. Review status: criteria provided, single submitter. Criteria: Invitae Variant Classification Sherloc (09022015). Collection method: clinical testing. Allele origin: germline.
Comment: This sequence change replaces serine, which is neutral and polar, with glycine, which is neutral and non-polar, at codon 92 of the SUFU protein (p.Ser92Gly). This variant is not present in population databases (gnomAD no frequency). This variant has not been reported in the literature in individuals affected with SUFU-related conditions. ClinVar contains an entry for this variant (Variation ID: 1005201). Invitae Evidence Modeling of protein sequence and biophysical properties (such as structural, functional, and spatial information, amino acid conservation, physicochemical variation, residue mobility, and thermodynamic stability) has been performed for this missense variant. However, the output from this modeling did not meet the statistical confidence thresholds required to predict the impact of this variant on SUFU protein function. In summary, the available evidence is currently insufficient to determine the role of this variant in disease. Therefore, it has been classified as a Variant of Uncertain Significance.

NM_016169.4(SUFU):c.274A>G (p.Ser92Gly)

Gene: SUFU (SUFU negative regulator of hedgehog signaling; plus strand). Cytogenetic location: 10q24.32.
Variant type: single nucleotide variant.
Coding change: c.274A>G on transcript NM_016169.4 (MANE Select); coding-DNA position 274, A replaced by G.
Protein change: p.Ser92Gly; replaces serine 92 with glycine.
Molecular consequence: missense variant.
Genome position (GRCh38, 1-based): chr10:102,509,260, A>G. VCF-style: chr10-102509260-A-G. GRCh37 (hg19) VCF-style: chr10-104269017-A-G.
Other names: c.274A>G (NM_016169.3); c.274A>G, p.Ser92Gly (NM_001178133.2); short protein forms S92G.
Identifiers: ClinVar variation 1005201 (VCV001005201.10), dbSNP rs2062369652, ClinGen allele CA377888957.